The following is an entry in ClinVar:

NM_002397.5(MEF2C):c.796A>G (p.Thr266Ala)

Gene: MEF2C (myocyte enhancer factor 2C; minus strand). Cytogenetic location: 5q14.3.
Variant type: single nucleotide variant.
Coding change: c.796A>G on transcript NM_002397.5 (MANE Select); coding-DNA position 796, A replaced by G.
Protein change: p.Thr266Ala; replaces threonine 266 with alanine.
Molecular consequence: missense variant.
Genome position (GRCh38, 1-based): chr5:88,731,743, T>C on the plus strand (A>G on the coding strand, the complement: MEF2C is on the minus strand). VCF-style: chr5-88731743-T-C. GRCh37 (hg19) VCF-style: chr5-88027560-T-C.
Other names: c.790A>G, p.Thr264Ala (NM_001131005.2, NM_001364343.2, NM_001364352.2); c.796A>G, p.Thr266Ala (NM_001364333.2, NM_001364334.2, NM_001364335.2 and 18 more transcripts); c.850A>G, p.Thr284Ala (NM_001364338.2, NM_001193347.1); c.418A>G, p.Thr140Ala (NM_001364353.2, NM_001364356.2); c.652A>G, p.Thr218Ala (NM_001364354.2, NM_001364355.2, NM_001193348.1 and 3 more transcripts); c.370A>G, p.Thr124Ala (NM_001364357.2); short protein forms T124A, T140A, T218A, T264A, T266A, T284A.
Identifiers: ClinVar variation 4887934 (VCV004887934.1).

ClinVar aggregate classification (germline): Uncertain significance (1 of 4 stars; one submission).

Submission:

GeneDx
Classification: Uncertain significance. Last evaluated: 2026-02-02. Review status: criteria provided, single submitter. Criteria: GeneDx Variant Classification Process June 2021. Collection method: clinical testing. Allele origin: germline.
Comment: Not observed at significant frequency in large population cohorts (gnomAD); In silico analysis suggests that this missense variant does not alter protein structure/function; Has not been previously published as pathogenic or benign to our knowledge